The following is an entry in ClinVar:

ClinVar aggregate classification (germline): Uncertain significance (1 of 4 stars; one submission).

Conditions:
Inborn genetic diseases. Identifiers: MedGen C0950123, MeSH D030342.

Submission:

Ambry Genetics
Classification: Uncertain significance for Inborn genetic diseases. Last evaluated: 2022-03-23. Review status: criteria provided, single submitter. Criteria: Ambry Variant Classification Scheme 2023. Collection method: clinical testing. Allele origin: germline.
Comment: The c.2479_2481delTTC (p.F827del) alteration is located in exon 20 (coding exon 20) of the SMPD4 gene. This alteration consists of an in-frame deletion of 3 nucleotides between nucleotide positions c.2479 and c.2481, resulting in the deletion of 1 residue. Based on insufficient or conflicting evidence, the clinical significance of this alteration remains unclear.

NM_017951.5(SMPD4):c.2359TTC[1] (p.Phe788del)

Gene: SMPD4 (sphingomyelin phosphodiesterase 4; minus strand). Cytogenetic location: 2q21.1.
Variant type: Microsatellite.
Coding change: c.2359TTC[1] on transcript NM_017951.5 (MANE Select); one copy of the 3-base unit TTC starting at c.2359; the reference has two copies in a row; one copy, 3 bases deleted.
Protein change: p.Phe788del; deletes phenylalanine 788.
Molecular consequence: inframe deletion. On other transcripts: non-coding transcript variant (2).
Genome position (GRCh38, 1-based): chr2:130,152,675-130,152,677, GAA deleted on the plus strand (TTC on the coding strand, the reverse complement: SMPD4 is on the minus strand); deleting any 3 consecutive bases within chr2:130,152,675-130,152,681 gives the same sequence; the position shown is the placement nearest the transcript's 3' end. VCF-style (leftmost placement, unchanged base first): chr2-130152674-CGAA-C. GRCh37 (hg19) VCF-style: chr2-130910247-CGAA-C.
Other names: c.2170TTC[1], p.Phe725del (NM_001171083.2); c.2389TTC[1], p.Phe798del (NM_017751.4); short protein forms F725del, F788del, F798del.
Identifiers: ClinVar variation 2355661 (VCV002355661.2), dbSNP rs761067266, ClinGen allele CA1869426.